The following is an entry in ClinVar:

NM_000903.3(NQO1):c.787T>A (p.Ser263Thr)

Gene: NQO1 (NAD(P)H quinone dehydrogenase 1; minus strand). Cytogenetic location: 16q22.1.
Variant type: single nucleotide variant.
Coding change: c.787T>A on transcript NM_000903.3 (MANE Select); coding-DNA position 787, T replaced by A.
Protein change: p.Ser263Thr; replaces serine 263 with threonine.
Molecular consequence: missense variant.
Genome position (GRCh38, 1-based): chr16:69,711,014, A>T on the plus strand (T>A on the coding strand, the complement: NQO1 is on the minus strand). VCF-style: chr16-69711014-A-T. GRCh37 (hg19) VCF-style: chr16-69744917-A-T.
Other names: c.685T>A, p.Ser229Thr (NM_001025433.2); c.673T>A, p.Ser225Thr (NM_001025434.2); c.571T>A, p.Ser191Thr (NM_001286137.2); short protein forms S191T, S225T, S263T, S229T.
Identifiers: ClinVar variation 1761004 (VCV001761004.3), dbSNP rs769463789, ClinGen allele CA8136127.

ClinVar aggregate classification (germline): Uncertain significance (1 of 4 stars; one submission).

Allele frequency attached by ClinVar (database versions not stated): gnomAD exomes below 0.00001; ExAC 0.00001; gnomAD 0.00001.
gnomAD v4.1: 8 of 1,614,000 alleles (0.0005%); highest among the groups gnomAD compares: East Asian, 0.018%; no homozygotes.

Submission:

Ambry Genetics
Classification: Uncertain significance. Last evaluated: 2024-06-26. Review status: criteria provided, single submitter. Criteria: Ambry Variant Classification Scheme 2023. Collection method: clinical testing. Allele origin: germline.
Comment: The p.S263T variant (also known as c.787T>A), located in coding exon 6 of the NQO1 gene, results from a T to A substitution at nucleotide position 787. The serine at codon 263 is replaced by threonine, an amino acid with similar properties. This amino acid position is conserved. In addition, this alteration is predicted to be tolerated by in silico analysis. Since supporting evidence is limited at this time, the clinical significance of this alteration remains unclear.